The following is an entry in ClinVar:

NM_006514.4(SCN10A):c.2988T>C (p.Ser996=)

Genes: SCN10A (sodium voltage-gated channel alpha subunit 10; minus strand), LOC110121288 (VISTA enhancer hs2268; plus strand). Cytogenetic location: 3p22.2.
Variant type: single nucleotide variant.
Coding change: c.2988T>C on transcript NM_006514.4 (MANE Select); coding-DNA position 2988, T replaced by C.
Protein change: p.Ser996=; no amino-acid change (serine 996 retained).
Molecular consequence: synonymous variant.
Genome position (GRCh38, 1-based): chr3:38,726,705, A>G on the plus strand (T>C on the coding strand, the complement: SCN10A is on the minus strand). VCF-style: chr3-38726705-A-G. GRCh37 (hg19) VCF-style: chr3-38768196-A-G.
Other names: p.Ser996=; c.2988T>C, p.Ser996= (NM_001293306.2); c.2694T>C, p.Ser898= (NM_001293307.2).
Identifiers: ClinVar variation 532146 (VCV000532146.14), dbSNP rs375913659, ClinGen allele CA2320392.
Genomic context (GRCh38, chr3:38,726,705, plus strand): 5'-ATCTTCCCCACCATCATCCTCCAAGTCATCAAGATCAGATTCACCCTCAGCAATGGGCAC[A>G]GAGACCCACACAGTCGGATTAGCGATGAAGTCACTGTGCTCATCCCTGGGGCCTCTGGGA-3'
Protein context (NP_006505.4, residues 986-1006): DFIANPTVWV[Ser996=]VPIAEGESDL

ClinVar aggregate classification (germline): Likely benign. Review status: criteria provided, multiple submitters, no conflicts (2 of 4 stars). 4 submissions from 4 submitters: Likely benign (4). Last evaluated 2025-08-06.

Conditions:
Brugada syndrome. Also called: Sudden unexplained nocturnal death syndrome; Sudden Unexplained Death Syndrome; Sudden Unexplained Nocturnal Death Syndrome (SUNDS); Sudden unexpected nocturnal death syndrome. Identifiers: Orphanet 130, MedGen C1142166, MONDO:0015263.
Cardiovascular phenotype. Identifiers: MedGen CN230736.

Allele frequency attached by ClinVar (database versions not stated): gnomAD exomes 0.00003 and 0.00007; ExAC 0.00004; TOPMed 0.00004; gnomAD 0.00006; ESP Exome Variant Server 0.00008.
gnomAD v4.1: 116 of 1,612,434 alleles (0.0072%); highest among the groups gnomAD compares: Non-Finnish European, 0.0092%; no homozygotes.

Submissions (4):

Labcorp Genetics (formerly Invitae), Labcorp
Classification: Likely benign for Brugada syndrome. Last evaluated: 2025-08-06. Review status: criteria provided, single submitter. Criteria: Invitae Variant Classification Sherloc (09022015). Collection method: clinical testing. Allele origin: germline.

Mayo Clinic Laboratories, Mayo Clinic
Classification: Likely benign. Last evaluated: 2025-04-29. Review status: criteria provided, single submitter. Criteria: ACMG Guidelines, 2015. Collection method: clinical testing. Allele origin: germline. Observed: 1 variant allele.
Comment: BS2, BP4, BP7

Women's Health and Genetics/Laboratory Corporation of America, LabCorp
Classification: Likely benign. Last evaluated: 2024-09-14. Review status: criteria provided, single submitter. Criteria: LabCorp Variant Classification Summary - May 2015. Collection method: clinical testing. Allele origin: germline.

Ambry Genetics
Classification: Likely benign for Cardiovascular phenotype. Last evaluated: 2019-07-11. Review status: criteria provided, single submitter. Criteria: Ambry Variant Classification Scheme 2023. Collection method: clinical testing. Allele origin: germline.